The following is an entry in ClinVar:

ClinVar aggregate classification (germline): Likely benign (1 of 4 stars; one submission).

Conditions:
Familial cancer of breast. Also called: hereditary breast carcinoma; Hereditary breast cancer; BREAST CANCER, FAMILIAL. Identifiers: Orphanet 227535, MedGen C0346153, MONDO:0016419, OMIM 114480. Disease mechanism: loss of function.

Submission:

Myriad Genetics, Inc.
Classification: Likely benign for Familial cancer of breast. Last evaluated: 2024-09-09. Review status: criteria provided, single submitter. Criteria: Myriad Autosomal Dominant, Autosomal Recessive and X-Linked Classification Criteria (2023). Collection method: clinical testing. Allele origin: unknown.
Comment: This variant is considered likely benign. This variant is intronic and is not expected to impact mRNA splicing.

NM_032043.3(BRIP1):c.2906-11del

Gene: BRIP1 (BRCA1 interacting DNA helicase 1; minus strand). Cytogenetic location: 17q23.2.
Variant type: Deletion.
Coding change: c.2906-11del on transcript NM_032043.3 (MANE Select); 11 bases into the intron before coding-DNA position 2906, one base deleted (T; older notation c.2906-11delT).
Molecular consequence: intron variant.
Genome position (GRCh38, 1-based): chr17:61,684,151, A deleted on the plus strand (T on the coding strand, the reverse complement: BRIP1 is on the minus strand); the first of 2 consecutive A bases (chr17:61,684,151-61,684,152); deleting either gives the same sequence. VCF-style (leftmost placement, unchanged base first): chr17-61684150-CA-C. GRCh37 (hg19) VCF-style: chr17-59761511-CA-C.
Identifiers: ClinVar variation 3379212 (VCV003379212.1).